The following is an entry in ClinVar:

ClinVar aggregate classification (germline): Uncertain significance. Review status: criteria provided, multiple submitters, no conflicts (2 of 4 stars). 3 submissions from 3 submitters: Uncertain significance (3). Last evaluated 2025-08-31.

Conditions:
Inborn genetic diseases. Identifiers: MedGen C0950123, MeSH D030342.
IMPG2-related disorder. Also called: IMPG2-related condition.

Allele frequency attached by ClinVar (database versions not stated): gnomAD 0.00002 and 0.00003; TOPMed 0.00004; gnomAD exomes 0.00001.
gnomAD v4.1: 25 of 1,612,488 alleles (0.0016%); highest among the groups gnomAD compares: African/African-American, 0.0027%; no homozygotes.

Submissions (3):

Ambry Genetics
Classification: Uncertain significance for Inborn genetic diseases. Last evaluated: 2025-08-31. Review status: criteria provided, single submitter. Criteria: Ambry Variant Classification Scheme 2023. Collection method: clinical testing. Allele origin: germline.

PreventionGenetics, part of Exact Sciences
Classification: Uncertain significance for IMPG2-related condition. Last evaluated: 2025-06-10. Review status: criteria provided, single submitter. Criteria: ACMG Guidelines, 2015. Collection method: clinical testing. Allele origin: germline.
Comment: The IMPG2 c.109G>A variant is predicted to result in the amino acid substitution p.Glu37Lys. To our knowledge, this variant has not been reported in the literature. This variant is reported in 0.0041% of alleles in individuals of African descent in gnomAD. At this time, the clinical significance of this variant is uncertain due to the absence of conclusive functional and genetic evidence.

Labcorp Genetics (formerly Invitae), Labcorp
Classification: Uncertain significance. Last evaluated: 2022-05-18. Review status: criteria provided, single submitter. Criteria: Invitae Variant Classification Sherloc (09022015). Collection method: clinical testing. Allele origin: germline.
Comment: In summary, the available evidence is currently insufficient to determine the role of this variant in disease. Therefore, it has been classified as a Variant of Uncertain Significance. Algorithms developed to predict the effect of missense changes on protein structure and function output the following: SIFT: "Deleterious"; PolyPhen-2: "Benign"; Align-GVGD: "Class C0". The lysine amino acid residue is found in multiple mammalian species, which suggests that this missense change does not adversely affect protein function. ClinVar contains an entry for this variant (Variation ID: 1007845). This variant has not been reported in the literature in individuals affected with IMPG2-related conditions. This variant is present in population databases (no rsID available, gnomAD 0.004%). This sequence change replaces glutamic acid, which is acidic and polar, with lysine, which is basic and polar, at codon 37 of the IMPG2 protein (p.Glu37Lys).

NM_016247.4(IMPG2):c.109G>A (p.Glu37Lys)

Gene: IMPG2 (interphotoreceptor matrix proteoglycan 2; minus strand). Cytogenetic location: 3q12.3.
Variant type: single nucleotide variant.
Coding change: c.109G>A on transcript NM_016247.4 (MANE Select); coding-DNA position 109, G replaced by A.
Protein change: p.Glu37Lys; replaces glutamic acid 37 with lysine.
Molecular consequence: missense variant.
Genome position (GRCh38, 1-based): chr3:101,319,809, C>T on the plus strand (G>A on the coding strand, the complement: IMPG2 is on the minus strand). VCF-style: chr3-101319809-C-T. GRCh37 (hg19) VCF-style: chr3-101038653-C-T.
Other names: c.109G>A (NM_016247.3); short protein forms E37K.
Identifiers: ClinVar variation 1007845 (VCV001007845.11), dbSNP rs1045747660, ClinGen allele CA79728787.